The following is an entry in ClinVar:

ClinVar aggregate classification (germline): Likely pathogenic (1 of 4 stars; one submission).

Submission:

Labcorp Genetics (formerly Invitae), Labcorp
Classification: Likely pathogenic. Last evaluated: 2022-07-08. Review status: criteria provided, single submitter. Criteria: Invitae Variant Classification Sherloc (09022015). Collection method: clinical testing. Allele origin: germline.
Comment: In summary, the currently available evidence indicates that the variant is pathogenic, but additional data are needed to prove that conclusively. Therefore, this variant has been classified as Likely Pathogenic. This variant disrupts the p.Phe152 amino acid residue in AGXT. Other variant(s) that disrupt this residue have been determined to be pathogenic (PMID: 8101040, 10960483, 11708860, 25363903). This suggests that this residue is clinically significant, and that variants that disrupt this residue are likely to be disease-causing. Advanced modeling of protein sequence and biophysical properties (such as structural, functional, and spatial information, amino acid conservation, physicochemical variation, residue mobility, and thermodynamic stability) performed at Invitae indicates that this missense variant is expected to disrupt AGXT protein function. ClinVar contains an entry for this variant (Variation ID: 1517157). This variant has not been reported in the literature in individuals affected with AGXT-related conditions. This variant is present in population databases (no rsID available, gnomAD 0.01%). This sequence change replaces phenylalanine, which is neutral and non-polar, with cysteine, which is neutral and slightly polar, at codon 152 of the AGXT protein (p.Phe152Cys).

Literature cited by the submitters: PubMed 8101040; PubMed 10960483; PubMed 11708860; PubMed 25363903.

NM_000030.3(AGXT):c.455T>G (p.Phe152Cys)

Gene: AGXT (alanine--glyoxylate aminotransferase; plus strand). Cytogenetic location: 2q37.3.
Variant type: single nucleotide variant.
Coding change: c.455T>G on transcript NM_000030.3 (MANE Select); coding-DNA position 455, T replaced by G.
Protein change: p.Phe152Cys; replaces phenylalanine 152 with cysteine.
Molecular consequence: missense variant.
Genome position (GRCh38, 1-based): chr2:240,871,380, T>G. VCF-style: chr2-240871380-T-G. GRCh37 (hg19) VCF-style: chr2-241810797-T-G.
Other names: short protein forms F152C.
Identifiers: ClinVar variation 1517157 (VCV001517157.6), dbSNP rs765812098, ClinGen allele CA351315842.